The following is an entry in ClinVar:

NM_003072.5(SMARCA4):c.1084G>A (p.Asp362Asn)

Gene: SMARCA4 (SWI/SNF related BAF chromatin remodeling complex subunit ATPase 4; plus strand). Cytogenetic location: 19p13.2.
Variant type: single nucleotide variant.
Coding change: c.1084G>A on transcript NM_003072.5 (MANE Select); coding-DNA position 1084, G replaced by A.
Protein change: p.Asp362Asn; replaces aspartic acid 362 with asparagine.
Molecular consequence: missense variant. On other transcripts: non-coding transcript variant (1).
Genome position (GRCh38, 1-based): chr19:10,987,890, G>A. VCF-style: chr19-10987890-G-A. GRCh37 (hg19) VCF-style: chr19-11098566-G-A.
Other names: c.1084G>A, p.Asp362Asn (NM_001128844.3, NM_001128845.2, NM_001128846.2 and 5 more transcripts); short protein forms D362N.
Identifiers: ClinVar variation 480588 (VCV000480588.20), dbSNP rs776534924, ClinGen allele CA9203668.
Genomic context (GRCh38, chr19:10,987,890, plus strand): 5'-ATGGTGCCACTGCACCAGAAGCAGAGCCGCATCACCCCCATCCAGAAGCCGCGGGGCCTC[G>A]ACCCTGTGGAGATCCTGCAGGAGCGCGAGTACAGGTGAGGGCGGGGCCCAGTTGCCAAGG-3'
Protein context (NP_003063.2, residues 352-372): ITPIQKPRGL[Asp362Asn]PVEILQEREY

ClinVar aggregate classification (germline): Conflicting classifications of pathogenicity. Review status: criteria provided, conflicting classifications (1 of 4 stars). 5 submissions from 5 submitters: Uncertain significance (4); Benign (1). Last evaluated 2026-08-11.

Conditions:
SMARCA4-related disorder. Also called: SMARCA4-related condition.
Hereditary cancer-predisposing syndrome. Also called: Neoplastic Syndromes, Hereditary; Hereditary Cancer Syndrome; Tumor predisposition; Hereditary neoplastic syndrome. Identifiers: Orphanet 140162, MedGen C0027672, MeSH D009386, MONDO:0015356.
Intellectual disability, autosomal dominant 16 (CSS4). Also called: COFFIN-SIRIS SYNDROME 4. Identifiers: Orphanet 1465, MedGen C3553249, MONDO:0013821, OMIM 614609.
Rhabdoid tumor predisposition syndrome 2 (RTPS2). Identifiers: Orphanet 231108, Orphanet 69077, MedGen C2750074, MONDO:0013224, OMIM 613325.

Allele frequency attached by ClinVar (database versions not stated): gnomAD 0.00001; gnomAD exomes 0.00001 and 0.00002; ExAC 0.00003.
gnomAD v4.1: 15 of 1,612,952 alleles (0.00093%); highest among the groups gnomAD compares: Admixed American, 0.0033%; no homozygotes.

Submissions (5):

PreventionGenetics, part of Exact Sciences
Classification: Uncertain significance for SMARCA4-related condition. Last evaluated: 2026-08-11. Review status: criteria provided, single submitter. Criteria: ACMG Guidelines, 2015. Collection method: clinical testing. Allele origin: germline.
Comment: The SMARCA4 c.1084G>A variant is predicted to result in the amino acid substitution p.Asp362Asn. To our knowledge, this variant has not been reported in the literature. It is reported in 0.017% of alleles in individuals of East Asian descent in gnomAD and has conflicting interpretations of benign and uncertain significance in ClinVar (Variation ID: 480588). Although we suspect that this variant may be benign, at this time, the clinical significance of this variant is uncertain due to the absence of conclusive functional and genetic evidence.

Labcorp Genetics (formerly Invitae), Labcorp
Classification: Uncertain significance for Rhabdoid tumor predisposition syndrome 2. Last evaluated: 2025-05-06. Review status: criteria provided, single submitter. Criteria: Invitae Variant Classification Sherloc (09022015). Collection method: clinical testing. Allele origin: germline.
Comment: This sequence change replaces aspartic acid, which is acidic and polar, with asparagine, which is neutral and polar, at codon 362 of the SMARCA4 protein (p.Asp362Asn). This variant is present in population databases (rs776534924, gnomAD 0.02%). This variant has not been reported in the literature in individuals affected with SMARCA4-related conditions. ClinVar contains an entry for this variant (Variation ID: 480588). Invitae Evidence Modeling of protein sequence and biophysical properties (such as structural, functional, and spatial information, amino acid conservation, physicochemical variation, residue mobility, and thermodynamic stability) has been performed for this missense variant. However, the output from this modeling did not meet the statistical confidence thresholds required to predict the impact of this variant on SMARCA4 protein function. In summary, the available evidence is currently insufficient to determine the role of this variant in disease. Therefore, it has been classified as a Variant of Uncertain Significance.

GeneDx
Classification: Uncertain significance. Last evaluated: 2023-06-22. Review status: criteria provided, single submitter. Criteria: GeneDx Variant Classification Process June 2021. Collection method: clinical testing. Allele origin: germline. Affected: yes.
Comment: In silico analysis supports that this missense variant has a deleterious effect on protein structure/function; Has not been previously published as pathogenic or benign to our knowledge

Ambry Genetics
Classification: Benign for Hereditary cancer-predisposing syndrome. Last evaluated: 2022-12-22. Review status: criteria provided, single submitter. Criteria: Ambry Variant Classification Scheme 2023. Collection method: clinical testing. Allele origin: germline.

Genome-Nilou Lab
Classification: Uncertain significance for Intellectual disability, autosomal dominant 16. Last evaluated: 2021-07-15. Review status: criteria provided, single submitter. Criteria: ACMG Guidelines, 2015. Collection method: clinical testing. Allele origin: germline. Affected: no.